The following is an entry in ClinVar:

NM_001283009.2(RTEL1):c.2867T>C (p.Val956Ala)

Genes: RTEL1 (regulator of telomere elongation helicase 1; plus strand), RTEL1-TNFRSF6B (RTEL1-TNFRSF6B readthrough (NMD candidate); plus strand). Cytogenetic location: 20q13.33.
Variant type: single nucleotide variant.
Coding change: c.2867T>C on transcript NM_001283009.2 (MANE Select); coding-DNA position 2867, T replaced by C.
Protein change: p.Val956Ala; replaces valine 956 with alanine.
Molecular consequence: missense variant. On other transcripts: non-coding transcript variant (1).
Genome position (GRCh38, 1-based): chr20:63,693,158, T>C. VCF-style: chr20-63693158-T-C. GRCh37 (hg19) VCF-style: chr20-62324511-T-C.
Other names: c.2198T>C, p.Val733Ala (NM_001283010.1); c.2867T>C, p.Val956Ala (NM_016434.4); c.2939T>C, p.Val980Ala (NM_032957.5); short protein forms V733A, V956A, V980A.
Identifiers: ClinVar variation 5028490 (VCV005028490.1).

ClinVar aggregate classification (germline): Uncertain significance (1 of 4 stars; one submission).

Conditions:
Inborn genetic diseases. Identifiers: MedGen C0950123, MeSH D030342.

Submission:

Ambry Genetics
Classification: Uncertain significance for Inborn genetic diseases. Last evaluated: 2026-07-21. Review status: criteria provided, single submitter. Criteria: Ambry Variant Classification Scheme 2023. Collection method: clinical testing. Allele origin: germline.
Comment: The p.V956A variant (also known as c.2867T>C), located in coding exon 29 of the RTEL1 gene, results from a T to C substitution at nucleotide position 2867. The valine at codon 956 is replaced by alanine, an amino acid with similar properties. This amino acid position is conserved. In addition, this alteration is predicted to be tolerated by in silico analysis. Based on the available evidence, the clinical significance of this variant remains unclear.